The following is an entry in ClinVar:

ClinVar aggregate classification (germline): Uncertain significance (1 of 4 stars; one submission).

Allele frequency attached by ClinVar (database versions not stated): gnomAD exomes below 0.00001 and 0.00001; gnomAD 0.00001; ExAC 0.00002.
gnomAD v4.1: 6 of 1,613,544 alleles (0.00037%); highest among the groups gnomAD compares: Admixed American, 0.0067%; no homozygotes.

Submission:

Labcorp Genetics (formerly Invitae), Labcorp
Classification: Uncertain significance. Last evaluated: 2023-12-22. Review status: criteria provided, single submitter. Criteria: Invitae Variant Classification Sherloc (09022015). Collection method: clinical testing. Allele origin: germline.
Comment: This sequence change replaces glycine, which is neutral and non-polar, with glutamic acid, which is acidic and polar, at codon 175 of the PCDH15 protein (p.Gly175Glu). This variant is present in population databases (rs766924319, gnomAD 0.006%). This variant has not been reported in the literature in individuals affected with PCDH15-related conditions. ClinVar contains an entry for this variant (Variation ID: 1514423). Advanced modeling of protein sequence and biophysical properties (such as structural, functional, and spatial information, amino acid conservation, physicochemical variation, residue mobility, and thermodynamic stability) performed at Invitae indicates that this missense variant is expected to disrupt PCDH15 protein function with a positive predictive value of 80%. In summary, the available evidence is currently insufficient to determine the role of this variant in disease. Therefore, it has been classified as a Variant of Uncertain Significance.

NM_001384140.1(PCDH15):c.524G>A (p.Gly175Glu)

Gene: PCDH15 (protocadherin related 15; minus strand). Cytogenetic location: 10q21.1.
Variant type: single nucleotide variant.
Coding change: c.524G>A on transcript NM_001384140.1 (MANE Select); coding-DNA position 524, G replaced by A.
Protein change: p.Gly175Glu; replaces glycine 175 with glutamic acid.
Molecular consequence: missense variant.
Genome position (GRCh38, 1-based): chr10:54,346,435, C>T on the plus strand (G>A on the coding strand, the complement: PCDH15 is on the minus strand). VCF-style: chr10-54346435-C-T. GRCh37 (hg19) VCF-style: chr10-56106195-C-T.
Other names: c.539G>A, p.Gly180Glu (NM_001142763.2, NM_001142769.4, NM_001142771.2); c.524G>A, p.Gly175Glu (NM_001142764.2, NM_001142765.2, NM_001142766.2 and 8 more transcripts); c.458G>A, p.Gly153Glu (NM_001142768.2, NM_001142773.2, NM_001354404.2); short protein forms G175E, G153E, G180E.
Identifiers: ClinVar variation 1514423 (VCV001514423.7), dbSNP rs766924319, ClinGen allele CA5506667.